The following is an entry in ClinVar:

NM_000388.4(CASR):c.1511T>G (p.Val504Gly)

Gene: CASR (calcium sensing receptor; plus strand). Cytogenetic location: 3q21.1.
Variant type: single nucleotide variant.
Coding change: c.1511T>G on transcript NM_000388.4 (MANE Select); coding-DNA position 1511, T replaced by G.
Protein change: p.Val504Gly; replaces valine 504 with glycine.
Molecular consequence: missense variant.
Genome position (GRCh38, 1-based): chr3:122,275,945, T>G. VCF-style: chr3-122275945-T-G. GRCh37 (hg19) VCF-style: chr3-121994792-T-G.
Other names: c.1511T>G, p.Val504Gly (NM_001178065.2); short protein forms V504G.
Identifiers: ClinVar variation 4792057 (VCV004792057.1).
Genomic context (GRCh38, chr3:122,275,945, plus strand): 5'-ACCTGGTGGGGAACTATTCCATCATCAACTGGCACCTCTCCCCAGAGGATGGCTCCATCG[T>G]GTTTAAGGAAGTCGGGTATTACAACGTCTATGCCAAGAAGGGAGAAAGACTCTTCATCAA-3'
Protein context (NP_000379.3, residues 494-514): WHLSPEDGSI[Val504Gly]FKEVGYYNVY

ClinVar aggregate classification (germline): Uncertain significance (1 of 4 stars; one submission).

Conditions:
Autosomal dominant hypocalcemia 1 (HYPOC1). Also called: HYPOCALCEMIA, FAMILIAL. Identifiers: MedGen C3715128, MONDO:0011013, OMIM 601198.
Familial hypocalciuric hypercalcemia (FHH). Also called: Familial benign hypercalcemia. Identifiers: Orphanet 405, MedGen C1809471, MONDO:0018458.

Submission:

Labcorp Genetics (formerly Invitae), Labcorp
Classification: Uncertain significance for Familial hypocalciuric hypercalcemia; Autosomal dominant hypocalcemia 1. Last evaluated: 2025-10-20. Review status: criteria provided, single submitter. Criteria: Invitae Variant Classification Sherloc (09022015). Collection method: clinical testing. Allele origin: germline.
Comment: This sequence change replaces valine, which is neutral and non-polar, with glycine, which is neutral and non-polar, at codon 504 of the CASR protein (p.Val504Gly). This variant is not present in population databases (gnomAD no frequency). This variant has not been reported in the literature in individuals affected with CASR-related conditions. An algorithm developed to predict the effect of missense changes on protein structure and function (PolyPhen-2) suggests that this variant is likely to be tolerated. In summary, the available evidence is currently insufficient to determine the role of this variant in disease. Therefore, it has been classified as a Variant of Uncertain Significance.